The following is an entry in ClinVar:

ClinVar aggregate classification (germline): Uncertain significance (1 of 4 stars; one submission).

Submission:

Labcorp Genetics (formerly Invitae), Labcorp
Classification: Uncertain significance. Last evaluated: 2024-12-17. Review status: criteria provided, single submitter. Criteria: Invitae Variant Classification Sherloc (09022015). Collection method: clinical testing. Allele origin: germline.
Comment: This sequence change replaces threonine, which is neutral and polar, with serine, which is neutral and polar, at codon 1172 of the ERBB2 protein (p.Thr1172Ser). This variant is not present in population databases (gnomAD no frequency). This variant has not been reported in the literature in individuals affected with ERBB2-related conditions. ClinVar contains an entry for this variant (Variation ID: 2872947). An algorithm developed to predict the effect of missense changes on protein structure and function (PolyPhen-2) suggests that this variant is likely to be tolerated. In summary, the available evidence is currently insufficient to determine the role of this variant in disease. Therefore, it has been classified as a Variant of Uncertain Significance.

NM_004448.4(ERBB2):c.3514A>T (p.Thr1172Ser)

Gene: ERBB2 (erb-b2 receptor tyrosine kinase 2; plus strand). Cytogenetic location: 17q12.
Variant type: single nucleotide variant.
Coding change: c.3514A>T on transcript NM_004448.4 (MANE Select); coding-DNA position 3514, A replaced by T.
Protein change: p.Thr1172Ser; replaces threonine 1172 with serine.
Molecular consequence: missense variant. On other transcripts: 3 prime UTR variant (2), non-coding transcript variant (1).
Genome position (GRCh38, 1-based): chr17:39,727,790, A>T. VCF-style: chr17-39727790-A-T. GRCh37 (hg19) VCF-style: chr17-37884043-A-T.
Other names: c.3631A>T, p.Thr1211Ser (NM_001382784.1); c.3616A>T, p.Thr1206Ser (NM_001382785.1); c.3595A>T, p.Thr1199Ser (NM_001382786.1); c.3589A>T, p.Thr1197Ser (NM_001382787.1); c.3544A>T, p.Thr1182Ser (NM_001382788.1); c.3535A>T, p.Thr1179Ser (NM_001382789.1); c.3511A>T, p.Thr1171Ser (NM_001382790.1); c.3505A>T, p.Thr1169Ser (NM_001382791.1); and 16 more; short protein forms T1112S, T1120S, T1143S, T1171S, T1179S, T1182S, T1199S, T1172S.
Identifiers: ClinVar variation 2872947 (VCV002872947.3), dbSNP rs2143296979, ClinGen allele CA399313243.